The following is an entry in ClinVar:

ClinVar aggregate classification (germline): Uncertain significance (1 of 4 stars; one submission).

Conditions:
Hereditary cancer-predisposing syndrome. Also called: Tumor predisposition; Hereditary neoplastic syndrome; Hereditary Cancer Syndrome; Neoplastic Syndromes, Hereditary. Identifiers: Orphanet 140162, MedGen C0027672, MeSH D009386, MONDO:0015356.

Submission:

Ambry Genetics
Classification: Uncertain significance for Hereditary cancer-predisposing syndrome. Last evaluated: 2024-03-09. Review status: criteria provided, single submitter. Criteria: Ambry Variant Classification Scheme 2023. Collection method: clinical testing. Allele origin: germline.
Comment: The p.R1360G variant (also known as c.4078C>G), located in coding exon 28 of the ALK gene, results from a C to G substitution at nucleotide position 4078. The arginine at codon 1360 is replaced by glycine, an amino acid with dissimilar properties. This amino acid position is conserved. In addition, this alteration is predicted to be deleterious by in silico analysis. Based on the available evidence, the clinical significance of this alteration remains unclear.

NM_004304.5(ALK):c.4078C>G (p.Arg1360Gly)

Gene: ALK (ALK receptor tyrosine kinase; minus strand). Cytogenetic location: 2p23.2.
Variant type: single nucleotide variant.
Coding change: c.4078C>G on transcript NM_004304.5 (MANE Select); coding-DNA position 4078, C replaced by G.
Protein change: p.Arg1360Gly; replaces arginine 1360 with glycine.
Molecular consequence: missense variant.
Genome position (GRCh38, 1-based): chr2:29,196,856, G>C on the plus strand (C>G on the coding strand, the complement: ALK is on the minus strand). VCF-style: chr2-29196856-G-C. GRCh37 (hg19) VCF-style: chr2-29419722-G-C.
Other names: c.874C>G, p.Arg292Gly (NM_001353765.2); short protein forms R1360G, R292G.
Identifiers: ClinVar variation 3223887 (VCV003223887.1), dbSNP rs777303002, ClinGen allele CA346465571.